The following is an entry in ClinVar:

ClinVar aggregate classification (germline): Uncertain significance (1 of 4 stars; one submission).

Submission:

GeneDx
Classification: Uncertain significance. Last evaluated: 2021-04-02. Review status: criteria provided, single submitter. Criteria: GeneDx Variant Classification Process June 2021. Collection method: clinical testing. Allele origin: germline. Affected: yes.
Comment: Not observed in large population cohorts (Lek et al., 2016); Frameshift variant predicted to result in protein truncation or nonsense mediated decay in a gene for which loss-of-function is not a known mechanism of disease; Has not been previously published as pathogenic or benign to our knowledge

NM_001715.3(BLK):c.712dup (p.Arg238fs)

Genes: BLK (BLK proto-oncogene, Src family tyrosine kinase), BLK-AS1 (BLK antisense RNA 1). Cytogenetic location: 8p23.1.
Variant type: Duplication.
Coding change: c.712dup on transcript NM_001715.3 (MANE Select); coding-DNA position 712, one base duplicated.
Protein change: p.Arg238fs; shifts the reading frame from arginine 238.
Molecular consequence: frameshift variant.
Genome position: GRCh38 VCF-style: chr8-11555419-T-TC. GRCh37 (hg19) VCF-style: chr8-11412928-T-TC.
Other names: c.499dup, p.Arg167fs (NM_001330465.2); short protein forms R167fs, R238fs.
Identifiers: ClinVar variation 1314434 (VCV001314434.2), dbSNP rs2117549685, ClinGen allele CA2573052961.